The following is an entry in ClinVar:

ClinVar aggregate classification (germline): Uncertain significance (1 of 4 stars; one submission).

Conditions:
Wiskott-Aldrich syndrome (WAS). Also called: ALDRICH SYNDROME; IMMUNODEFICIENCY 2; Wiskott-aldrich syndrome, somatic; WISKOTT-ALDRICH SYNDROME 1. Identifiers: Orphanet 906, MedGen C0043194, MONDO:0010518, OMIM 301000.
X-linked severe congenital neutropenia (SCNX). Identifiers: Orphanet 86788, MedGen C1845987, MONDO:0010294, OMIM 300299.
Thrombocytopenia 1. Also called: X-Linked Thrombocytopenia (XLT); X-linked thrombocytopenia with normal platelets; THROMBOCYTOPENIA, X-LINKED, 1. Identifiers: Orphanet 268322, Orphanet 852, MedGen C1839163, MONDO:0010743, OMIM 313900.

Submission:

Labcorp Genetics (formerly Invitae), Labcorp
Classification: Uncertain significance for Wiskott-Aldrich syndrome; Severe congenital neutropenia X-linked; Thrombocytopenia, X-linked. Last evaluated: 2019-07-23. Review status: criteria provided, single submitter. Criteria: Invitae Variant Classification Sherloc (09022015). Collection method: clinical testing. Allele origin: germline.
Comment: This variant results in a copy number gain of the genomic region encompassing the full coding sequence of the WAS gene. The boundaries of this event are unknown as they extend beyond the assayed region for this gene and therefore may encompass additional genes. As the precise location of this event is unknown, it may be in tandem or it may be located elsewhere in the genome. This variant has not been reported in the literature in individuals with WAS-related conditions. In summary, the available evidence is currently insufficient to determine the role of this variant in disease. Therefore, it has been classified as a Variant of Uncertain Significance.

NC_000023.10:g.(?_48542223)_(48549573_?)dup

Gene: WAS (WASP actin nucleation promoting factor; plus strand). Cytogenetic location: Xp11.23.
Variant type: Duplication.
Identifiers: ClinVar variation 831991 (VCV000831991.1).